The following is an entry in ClinVar:

ClinVar aggregate classification (germline): Likely benign (0 of 4 stars; one submission).

Conditions:
NNT-related disorder. Also called: NNT-related condition.

Allele frequency attached by ClinVar (database versions not stated): gnomAD exomes 0.00001; TOPMed 0.00001; ExAC 0.00002; gnomAD 0.00002; ESP Exome Variant Server 0.00008.
gnomAD v4.1: 11 of 1,614,026 alleles (0.00068%); highest among the groups gnomAD compares: Non-Finnish European, 0.00093%; no homozygotes.

Submission:

PreventionGenetics, part of Exact Sciences
Classification: Likely benign for NNT-related condition. Last evaluated: 2021-07-02. Review status: no assertion criteria provided. Collection method: clinical testing. Allele origin: germline.
Comment: This variant is classified as likely benign based on ACMG/AMP sequence variant interpretation guidelines (Richards et al. 2015 PMID: 25741868, with internal and published modifications).

NM_182977.3(NNT):c.1812C>A (p.Thr604=)

Gene: NNT (nicotinamide nucleotide transhydrogenase; plus strand). Cytogenetic location: 5p12.
Variant type: single nucleotide variant.
Coding change: c.1812C>A on transcript NM_182977.3 (MANE Select); coding-DNA position 1812, C replaced by A.
Protein change: p.Thr604=; no amino-acid change (threonine 604 retained).
Molecular consequence: synonymous variant.
Genome position (GRCh38, 1-based): chr5:43,651,833, C>A. VCF-style: chr5-43651833-C-A. GRCh37 (hg19) VCF-style: chr5-43651935-C-A.
Other names: c.1419C>A, p.Thr473= (NM_001331026.2); c.1812C>A, p.Thr604= (NM_012343.4).
Identifiers: ClinVar variation 3054206 (VCV003054206.2), dbSNP rs370270976, ClinGen allele CA3258080.